The following is an entry in ClinVar:

ClinVar aggregate classification (germline): Uncertain significance (1 of 4 stars; one submission).

Submission:

GeneDx
Classification: Uncertain significance. Last evaluated: 2023-12-26. Review status: criteria provided, single submitter. Criteria: GeneDx Variant Classification Process June 2021. Collection method: clinical testing. Allele origin: germline. Affected: yes.
Comment: Not observed at significant frequency in large population cohorts (gnomAD); In silico analysis supports that this missense variant has a deleterious effect on protein structure/function; Has not been previously published as pathogenic or benign to our knowledge

NM_014000.3(VCL):c.1887G>C (p.Arg629Ser)

Gene: VCL (vinculin; plus strand). Cytogenetic location: 10q22.2.
Variant type: single nucleotide variant.
Coding change: c.1887G>C on transcript NM_014000.3 (MANE Select); coding-DNA position 1887, G replaced by C.
Protein change: p.Arg629Ser; replaces arginine 629 with serine.
Molecular consequence: missense variant.
Genome position (GRCh38, 1-based): chr10:74,100,962, G>C. VCF-style: chr10-74100962-G-C. GRCh37 (hg19) VCF-style: chr10-75860720-G-C.
Other names: c.1887G>C, p.Arg629Ser (NM_003373.4); short protein forms R629S.
Identifiers: ClinVar variation 3370072 (VCV003370072.1).
Genomic context (GRCh38, chr10:74,100,962, plus strand): 5'-CCATTTTATTGAAATAAATGTTCTTAATATCTGTTTTTTCCTCAAGGTATTTGATGAGAG[G>C]GCAGCTAACTTTGAAAACCATTCAGGAAAGCTTGGTGCTACGGCCGAGAAGGCGGCTGCG-3'
Protein context (NP_054706.1, residues 619-639): APNREEVFDE[Arg629Ser]AANFENHSGK